The following is an entry in ClinVar:

ClinVar aggregate classification (germline): Pathogenic. Review status: criteria provided, multiple submitters, no conflicts (2 of 4 stars). 3 submissions from 3 submitters: Pathogenic (3). Last evaluated 2024-04-03.

Conditions:
Congenital myotonia, autosomal recessive form. Also called: Becker Generalized Myotonia; BECKER DISEASE; myotonia congenita, autosomal recessive. Identifiers: Orphanet 614, MedGen C0751360, MONDO:0009715, OMIM 255700.
Congenital myotonia, autosomal dominant form (THD). Also called: THOMSEN DISEASE; Myotonia congenita autosomal dominant. Identifiers: Orphanet 614, MedGen C2936781, MONDO:0008055, OMIM 160800.

Allele frequency attached by ClinVar (database versions not stated): gnomAD exomes below 0.00001 and 0.00001; TOPMed below 0.00001; ExAC 0.00001; gnomAD 0.00003.

Submissions (3):

Fulgent Genetics
Classification: Pathogenic for Congenital myotonia, autosomal dominant form; Congenital myotonia, autosomal recessive form. Last evaluated: 2024-04-03. Review status: criteria provided, single submitter. Criteria: ACMG Guidelines, 2015. Collection method: clinical testing. Allele origin: germline.

Labcorp Genetics (formerly Invitae), Labcorp
Classification: Pathogenic for Congenital myotonia, autosomal recessive form; Congenital myotonia, autosomal dominant form. Last evaluated: 2022-12-20. Review status: criteria provided, single submitter. Criteria: Invitae Variant Classification Sherloc (09022015). Collection method: clinical testing. Allele origin: germline.
Comment: This variant is present in population databases (rs780534566, gnomAD 0.005%). For these reasons, this variant has been classified as Pathogenic. This variant disrupts a region of the CLCN1 protein in which other variant(s) (p.Arg894*) have been determined to be pathogenic (PMID: 8533761, 8845168, 11840191, 15162127, 18337730, 22094069, 22197187, 26096614, 27614575). This suggests that this is a clinically significant region of the protein, and that variants that disrupt it are likely to be disease-causing. ClinVar contains an entry for this variant (Variation ID: 567845). This premature translational stop signal has been observed in individual(s) with myotonia congenita (PMID: 12661046). This sequence change creates a premature translational stop signal (p.Leu840Valfs*31) in the CLCN1 gene. While this is not anticipated to result in nonsense mediated decay, it is expected to disrupt the last 149 amino acid(s) of the CLCN1 protein.

Athena Diagnostics
Classification: Pathogenic. Last evaluated: 2022-08-16. Review status: criteria provided, single submitter. Criteria: Athena Diagnostics Criteria. Collection method: clinical testing. Allele origin: unknown.

Literature cited by the submitters: PubMed 8533761 (cited by Labcorp Genetics (formerly Invitae), Labcorp); PubMed 8845168 (cited by Labcorp Genetics (formerly Invitae), Labcorp); PubMed 11840191 (cited by Labcorp Genetics (formerly Invitae), Labcorp); PubMed 15162127 (cited by Labcorp Genetics (formerly Invitae), Labcorp); PubMed 18337730 (cited by Labcorp Genetics (formerly Invitae), Labcorp); PubMed 22094069 (cited by Labcorp Genetics (formerly Invitae), Labcorp); PubMed 22197187 (cited by Labcorp Genetics (formerly Invitae), Labcorp); PubMed 26096614 (cited by Labcorp Genetics (formerly Invitae), Labcorp); PubMed 27614575 (cited by Labcorp Genetics (formerly Invitae), Labcorp); PubMed 12661046 (cited by Labcorp Genetics (formerly Invitae), Labcorp and Athena Diagnostics); PubMed 31589614 (cited by Athena Diagnostics); PubMed 19185184 (cited by Athena Diagnostics); PubMed 16321142 (cited by Athena Diagnostics); PubMed 29050397 (cited by Athena Diagnostics).

NM_000083.3(CLCN1):c.2518_2519del (p.Leu840fs)

Gene: CLCN1 (chloride voltage-gated channel 1; plus strand). Cytogenetic location: 7q34.
Variant type: Deletion.
Coding change: c.2518_2519del on transcript NM_000083.3 (MANE Select); coding-DNA positions 2518 to 2519, 2 bases deleted (CT; older notation c.2518_2519delCT).
Protein change: p.Leu840fs; shifts the reading frame from leucine 840.
Molecular consequence: frameshift variant. On other transcripts: non-coding transcript variant (1).
Genome position (GRCh38, 1-based): chr7:143,350,577-143,350,578, CT deleted. VCF-style (leftmost placement, unchanged base first): chr7-143350576-CCT-C. GRCh37 (hg19) VCF-style: chr7-143047669-CCT-C.
Other names: c.2518_2519delCT (NM_000083.2); short protein forms L840fs.
Identifiers: ClinVar variation 567845 (VCV000567845.9), dbSNP rs780534566, ClinGen allele CA4537722.